The following is an entry in ClinVar:

ClinVar aggregate classification (germline): Uncertain significance (1 of 4 stars; one submission).

gnomAD v4.1: 2 of 1,569,134 alleles (0.00013%); highest among the groups gnomAD compares: Non-Finnish European, 0.00017%; no homozygotes.

Submission:

CeGaT Center for Human Genetics Tuebingen
Classification: Uncertain significance. Last evaluated: 2024-02-01. Review status: criteria provided, single submitter. Criteria: CeGaT Center For Human Genetics Tuebingen Variant Classification Criteria Version 2. Collection method: clinical testing. Allele origin: germline. Affected: yes. Observed: 1 variant allele.
Comment: CEP290: PM2, PM3:Supporting, BP1

NM_025114.4(CEP290):c.104T>C (p.Val35Ala)

Gene: CEP290 (centrosomal protein 290; minus strand). Cytogenetic location: 12q21.32.
Variant type: single nucleotide variant.
Coding change: c.104T>C on transcript NM_025114.4 (MANE Select); coding-DNA position 104, T replaced by C.
Protein change: p.Val35Ala; replaces valine 35 with alanine.
Molecular consequence: missense variant.
Genome position (GRCh38, 1-based): chr12:88,141,032, A>G on the plus strand (T>C on the coding strand, the complement: CEP290 is on the minus strand). VCF-style: chr12-88141032-A-G. GRCh37 (hg19) VCF-style: chr12-88534809-A-G.
Other names: short protein forms V35A.
Identifiers: ClinVar variation 3027104 (VCV003027104.22), dbSNP rs2501853647, ClinGen allele CA385990020.